The following is an entry in ClinVar:

ClinVar aggregate classification (germline): Uncertain significance (1 of 4 stars; one submission).

Submission:

Ambry Genetics
Classification: Uncertain significance. Last evaluated: 2024-05-25. Review status: criteria provided, single submitter. Criteria: Ambry Variant Classification Scheme 2023. Collection method: clinical testing. Allele origin: germline.
Comment: The p.P900R variant (also known as c.2699C>G), located in coding exon 1 of the MLH3 gene, results from a C to G substitution at nucleotide position 2699. The proline at codon 900 is replaced by arginine, an amino acid with dissimilar properties. This amino acid position is conserved. In addition, this alteration is predicted to be tolerated by in silico analysis. Based on the available evidence, the clinical significance of this variant remains unclear.

NM_001040108.2(MLH3):c.2699C>G (p.Pro900Arg)

Gene: MLH3 (mutL homolog 3; minus strand). Cytogenetic location: 14q24.3.
Variant type: single nucleotide variant.
Coding change: c.2699C>G on transcript NM_001040108.2 (MANE Select); coding-DNA position 2699, C replaced by G.
Protein change: p.Pro900Arg; replaces proline 900 with arginine.
Molecular consequence: missense variant.
Genome position (GRCh38, 1-based): chr14:75,046,957, G>C on the plus strand (C>G on the coding strand, the complement: MLH3 is on the minus strand). VCF-style: chr14-75046957-G-C. GRCh37 (hg19) VCF-style: chr14-75513660-G-C.
Other names: c.2699C>G, p.Pro900Arg (NM_014381.3); short protein forms P900R.
Identifiers: ClinVar variation 3295151 (VCV003295151.1).